The following is an entry in ClinVar:

ClinVar aggregate classification (germline): Likely benign (1 of 4 stars; one submission).

Allele frequency attached by ClinVar (database versions not stated): ExAC 0.00002.
gnomAD v4.1: 25 of 1,610,778 alleles (0.0016%); highest among the groups gnomAD compares: East Asian, 0.0022%; no homozygotes.

Submission:

CeGaT Center for Human Genetics Tuebingen
Classification: Likely benign. Last evaluated: 2022-07-01. Review status: criteria provided, single submitter. Criteria: CeGaT Center For Human Genetics Tuebingen Variant Classification Criteria Version 2. Collection method: clinical testing. Allele origin: germline. Affected: yes. Observed: 1 variant allele.
Comment: GZF1: BP4

NM_022482.5(GZF1):c.797C>T (p.Pro266Leu)

Gene: GZF1 (GDNF inducible zinc finger protein 1; plus strand). Cytogenetic location: 20p11.21.
Variant type: single nucleotide variant.
Coding change: c.797C>T on transcript NM_022482.5 (MANE Select); coding-DNA position 797, C replaced by T.
Protein change: p.Pro266Leu; replaces proline 266 with leucine.
Molecular consequence: missense variant.
Genome position (GRCh38, 1-based): chr20:23,365,180, C>T. VCF-style: chr20-23365180-C-T. GRCh37 (hg19) VCF-style: chr20-23345817-C-T.
Other names: c.797C>T, p.Pro266Leu (NM_001317012.2, NM_001317019.1); short protein forms P266L.
Identifiers: ClinVar variation 2652237 (VCV002652237.24), dbSNP rs774160968, ClinGen allele CA9788573.